The following is an entry in ClinVar:

ClinVar aggregate classification (germline): Pathogenic. Review status: criteria provided, multiple submitters, no conflicts (2 of 4 stars). 2 submissions from 2 submitters: Pathogenic (2). Last evaluated 2019-10-09.

Conditions:
Combined oxidative phosphorylation defect type 14. Also called: Combined oxidative phosphorylation deficiency 14. Identifiers: Orphanet 319519, MedGen C4755312, MONDO:0013986, OMIM 614946.
Inborn genetic diseases. Identifiers: MedGen C0950123, MeSH D030342.

Allele frequency attached by ClinVar (database versions not stated): gnomAD exomes below 0.00001; TOPMed below 0.00001; ExAC 0.00001; gnomAD 0.00001.
gnomAD v4.1: 2 of 1,613,774 alleles (0.00012%); highest among the groups gnomAD compares: Admixed American, 0.0033%; no homozygotes.

Submissions (2):

Labcorp Genetics (formerly Invitae), Labcorp
Classification: Pathogenic for Combined oxidative phosphorylation defect type 14. Last evaluated: 2019-10-09. Review status: criteria provided, single submitter. Criteria: Invitae Variant Classification Sherloc (09022015). Collection method: clinical testing. Allele origin: germline.
Comment: This sequence change creates a premature translational stop signal (p.Tyr267*) in the FARS2 gene. It is expected to result in an absent or disrupted protein product. This variant is present in population databases (rs761709212, ExAC 0.009%). For these reasons, this variant has been classified as Pathogenic. Loss-of-function variants in FARS2 are known to be pathogenic (PMID: 22833457). This variant has not been reported in the literature in individuals with FARS2-related conditions. ClinVar contains an entry for this variant (Variation ID: 522083).

Ambry Genetics
Classification: Pathogenic for Inborn genetic diseases. Last evaluated: 2017-09-25. Review status: criteria provided, single submitter. Criteria: Ambry exome assertion method (8-5-2015). Collection method: clinical testing. Allele origin: germline. Affected: yes. Observed: 1 variant allele.

Literature cited by the submitters: PubMed 22833457 (cited by Labcorp Genetics (formerly Invitae), Labcorp).

NM_006567.5(FARS2):c.801C>G (p.Tyr267Ter)

Gene: FARS2 (phenylalanyl-tRNA synthetase 2, mitochondrial; plus strand). Cytogenetic location: 6p25.1.
Variant type: single nucleotide variant.
Coding change: c.801C>G on transcript NM_006567.5 (MANE Select); coding-DNA position 801, C replaced by G.
Protein change: p.Tyr267Ter; replaces tyrosine 267 with a stop codon.
Molecular consequence: nonsense. On other transcripts: intron variant (1).
Genome position (GRCh38, 1-based): chr6:5,431,069, C>G. VCF-style: chr6-5431069-C-G. GRCh37 (hg19) VCF-style: chr6-5431302-C-G.
Other names: c.801C>G, p.Tyr267Ter (NM_001318872.2, NM_001374875.1, NM_001374876.1 and 4 more transcripts); c.105C>G, p.Tyr35Ter (NM_001375259.1, NM_001375260.1); c.772+26368C>G (NM_001375258.1); short protein forms Y267*, Y35*.
Identifiers: ClinVar variation 522083 (VCV000522083.11), dbSNP rs761709212, ClinGen allele CA3623761.